The following is an entry in ClinVar:

ClinVar aggregate classification (germline): Uncertain significance. Review status: criteria provided, multiple submitters, no conflicts (2 of 4 stars). 3 submissions from 3 submitters: Uncertain significance (3). Last evaluated 2023-03-20.

Allele frequency attached by ClinVar (database versions not stated): gnomAD exomes below 0.00001; TOPMed below 0.00001.

Submissions (3):

Labcorp Genetics (formerly Invitae), Labcorp
Classification: Uncertain significance. Last evaluated: 2023-03-20. Review status: criteria provided, single submitter. Criteria: Invitae Variant Classification Sherloc (09022015). Collection method: clinical testing. Allele origin: germline.
Comment: This sequence change replaces threonine, which is neutral and polar, with methionine, which is neutral and non-polar, at codon 107 of the TUBB3 protein (p.Thr107Met). This variant is not present in population databases (gnomAD no frequency). This variant has not been reported in the literature in individuals affected with TUBB3-related conditions. ClinVar contains an entry for this variant (Variation ID: 1693691). Advanced modeling of protein sequence and biophysical properties (such as structural, functional, and spatial information, amino acid conservation, physicochemical variation, residue mobility, and thermodynamic stability) performed at Invitae indicates that this missense variant is expected to disrupt TUBB3 protein function. In summary, the available evidence is currently insufficient to determine the role of this variant in disease. Therefore, it has been classified as a Variant of Uncertain Significance.

GeneDx
Classification: Uncertain significance. Last evaluated: 2022-09-23. Review status: criteria provided, single submitter. Criteria: GeneDx Variant Classification Process June 2021. Collection method: clinical testing. Allele origin: germline. Affected: yes.
Comment: Missense variants in this gene are often considered pathogenic (HGMD); In silico analysis supports that this missense variant has a deleterious effect on protein structure/function; Not observed at significant frequency in large population cohorts (gnomAD); Has not been previously published as pathogenic or benign to our knowledge

Mayo Clinic Laboratories, Mayo Clinic
Classification: Uncertain significance. Last evaluated: 2021-04-15. Review status: criteria provided, single submitter. Criteria: ACMG Guidelines, 2015. Collection method: clinical testing. Allele origin: germline.

NM_006086.4(TUBB3):c.320C>T (p.Thr107Met)

Gene: TUBB3 (tubulin beta 3 class III; plus strand). Cytogenetic location: 16q24.3.
Variant type: single nucleotide variant.
Coding change: c.320C>T on transcript NM_006086.4 (MANE Select); coding-DNA position 320, C replaced by T.
Protein change: p.Thr107Met; replaces threonine 107 with methionine.
Molecular consequence: missense variant.
Genome position (GRCh38, 1-based): chr16:89,934,771, C>T. VCF-style: chr16-89934771-C-T. GRCh37 (hg19) VCF-style: chr16-90001179-C-T.
Other names: p.Thr107Met; c.104C>T, p.Thr35Met (NM_001197181.2); short protein forms T107M, T35M.
Identifiers: ClinVar variation 1693691 (VCV001693691.8), dbSNP rs2030395720, ClinGen allele CA397474204.